The following is an entry in ClinVar:

NM_205861.3(DHDDS):c.*2032C>T

Gene: DHDDS (dehydrodolichyl diphosphate synthase subunit; plus strand). Cytogenetic location: 1p36.11.
Variant type: single nucleotide variant.
Coding change: c.*2032C>T on transcript NM_205861.3 (MANE Select); 2032 bases downstream of the stop codon, C replaced by T.
Molecular consequence: 3 prime UTR variant.
Genome position (GRCh38, 1-based): chr1:26,471,163, C>T. VCF-style: chr1-26471163-C-T. GRCh37 (hg19) VCF-style: chr1-26797654-C-T.
Other names: c.*2032C>T (NM_001243564.2, NM_001243565.2, NM_001319959.2 and 1 more transcripts).
Identifiers: ClinVar variation 297106 (VCV000297106.6), dbSNP rs1055323, ClinGen allele CA10610959.
Genomic context (GRCh38, chr1:26,471,163, plus strand): 5'-GCAAGGGCTGCAAAATAGTAGAACTCGTGGTTGCTTTGGACAGGTGTGATTTGTGCAAGC[C>T]AGGTTCAACCCTTGCCTCAAGAAATCAGATGGGACCAATTTAGTGTCCTTCCACCTGTGA-3'

ClinVar aggregate classification (germline): Benign. Review status: criteria provided, multiple submitters, no conflicts (2 of 4 stars). 2 submissions from 2 submitters: Benign (2). Last evaluated 2018-01-13.

Conditions:
Retinitis pigmentosa (RP). Identifiers: Orphanet 791, MedGen C0035334, MeSH D012174, MONDO:0019200, OMIM 268000. Inheritance: Autosomal dominant, autosomal recessive and X linked inheritance.

Allele frequency attached by ClinVar (database versions not stated): 1000 Genomes Project 0.09964; 1000 Genomes Project 30x 0.10134; gnomAD exomes 0.12500; TOPMed 0.19447; gnomAD 0.20471 and 0.21078.
gnomAD v4.1: 31,076 of 152,116 alleles (20%); highest among the groups gnomAD compares: Middle Eastern, 28%; 3,877 homozygotes.

Submissions (2):

Illumina Laboratory Services, Illumina
Classification: Benign for Retinitis pigmentosa. Last evaluated: 2018-01-13. Review status: criteria provided, single submitter. Criteria: ICSL Variant Classification Criteria 13 December 2019. Collection method: clinical testing. Allele origin: germline.
Comment: This variant was observed in the ICSL laboratory as part of a predisposition screen in an ostensibly healthy population. It had not been previously curated by ICSL or reported in the Human Gene Mutation Database (HGMD: prior to June 1st, 2018), and was therefore a candidate for classification through an automated scoring system. Utilizing variant allele frequency, disease prevalence and penetrance estimates, and inheritance mode, an automated score was calculated to assess if this variant is too frequent to cause the disease. Based on the score and internal cut-off values, a variant classified as benign is not then subjected to further curation. The score for this variant resulted in a classification of benign for this disease.

Breakthrough Genomics
Classification: Benign. Review status: criteria provided, single submitter. Criteria: ACMG Guidelines, 2015. Collection method: not provided. Allele origin: germline. Inheritance: Autosomal recessive inheritance. Affected: yes.